The following is an entry in ClinVar:

ClinVar aggregate classification (germline): Likely pathogenic (1 of 4 stars; one submission).

Conditions:
Very long chain acyl-CoA dehydrogenase deficiency (ACADVLD). Also called: Very Long-Chain Acyl-Coenzyme A Dehydrogenase Deficiency; VLCAD Deficiency. Identifiers: Orphanet 26793, MedGen C3887523, MONDO:0008723, OMIM 201475.

Submission:

Myriad Genetics, Inc.
Classification: Likely pathogenic for Very long chain acyl-CoA dehydrogenase deficiency. Last evaluated: 2021-12-17. Review status: criteria provided, single submitter. Criteria: Myriad Women's Health Autosomal Recessive and X-Linked Classification Criteria (2021). Collection method: clinical testing. Allele origin: unknown.
Comment: NM_000018.3(ACADVL):c.1632delC(T545Lfs*7) is expected to be pathogenic in the context of very-long-chain acyl-CoA dehydrogenase deficiency. This variant is predicted to lead to an abnormal or absent protein product due to the creation of a premature termination codon in ACADVL, a gene where loss-of-function variants are known to be pathogenic. Please note: this variant was assessed in the context of healthy population screening.

NM_000018.4(ACADVL):c.1632del (p.Thr545fs)

Genes: ACADVL (acyl-CoA dehydrogenase very long chain; plus strand), DVL2 (dishevelled segment polarity protein 2; minus strand). Cytogenetic location: 17p13.1.
Variant type: Deletion.
Coding change: c.1632del on transcript NM_000018.4 (MANE Select); coding-DNA position 1632, one base deleted (C; older notation c.1632delC).
Protein change: p.Thr545fs; shifts the reading frame from threonine 545.
Molecular consequence: frameshift variant.
Genome position (GRCh38, 1-based): chr17:7,224,506, C deleted; the last of 2 consecutive C bases (chr17:7,224,505-7,224,506); deleting either gives the same sequence. VCF-style (leftmost placement, unchanged base first): chr17-7224504-GC-G. GRCh37 (hg19) VCF-style: chr17-7127823-GC-G.
Other names: c.1566del, p.Thr523fs (NM_001033859.3); c.1701del, p.Thr568fs (NM_001270447.2); c.1404del, p.Thr469fs (NM_001270448.2); short protein forms T469fs, T523fs, T545fs, T568fs.
Identifiers: ClinVar variation 1726481 (VCV001726481.2), dbSNP rs774196978, ClinGen allele CA8338195.
Genomic context (GRCh38, chr17:7,224,504, plus strand): 5'-GCCCCTCTGAGCCCCGCACTGTCCCCATCTCTTAAGGCAGTACGGGCTCTGGAGCAGTTT[GC>G]CACTGTGGTGGAGGCCAAGCTGATAAAACACAAGAAGGGGATTGTCAGTAAGTGAGCTCT-3'